The following is an entry in ClinVar:

ClinVar aggregate classification (germline): Likely benign. Review status: criteria provided, multiple submitters, no conflicts (2 of 4 stars). 6 submissions from 6 submitters: Likely benign (2). 4 of the submissions do not count toward it. Last evaluated 2024-11-27.

Allele frequency attached by ClinVar (database versions not stated): gnomAD 0.00035; TOPMed 0.00039; gnomAD exomes 0.00049 and 0.00051; ExAC 0.00088.
gnomAD v4.1: 554 of 1,151,877 alleles (0.048%); highest among the groups gnomAD compares: Non-Finnish European, 0.049%; 1 homozygote.

Submissions (6):

Blueprint Genetics
Classification: Likely benign. Last evaluated: 2024-11-27. Review status: criteria provided, single submitter. Criteria: ACMG Guidelines, 2015. Collection method: clinical testing. Allele origin: germline.

CeGaT Center for Human Genetics Tuebingen
Classification: Likely benign. Last evaluated: 2022-11-01. Review status: criteria provided, single submitter. Criteria: CeGaT Center For Human Genetics Tuebingen Variant Classification Criteria Version 2. Collection method: clinical testing. Allele origin: germline. Affected: yes. Observed: 1 variant allele.
Comment: PAK3: BS2

Clinical Genetics DNA and cytogenetics Diagnostics Lab, Erasmus MC, Erasmus Medical Center
Classification: Likely benign. Review status: no assertion criteria provided. Collection method: clinical testing. Allele origin: germline. Affected: yes. Study: VKGL Data-share Consensus. Not counted in ClinVar's aggregate classification.

Genome Diagnostics Laboratory, University Medical Center Utrecht
Classification: Likely benign. Review status: no assertion criteria provided. Collection method: clinical testing. Allele origin: germline. Affected: yes. Study: VKGL Data-share Consensus. Not counted in ClinVar's aggregate classification.

Joint Genome Diagnostic Labs from Nijmegen and Maastricht, Radboudumc and MUMC+
Classification: Likely benign. Review status: no assertion criteria provided. Collection method: clinical testing. Allele origin: germline. Affected: yes. Study: VKGL Data-share Consensus. Not counted in ClinVar's aggregate classification.

Laboratory of Diagnostic Genome Analysis, Leiden University Medical Center (LUMC)
Classification: Likely benign. Review status: no assertion criteria provided. Collection method: clinical testing. Allele origin: germline. Affected: yes. Study: VKGL Data-share Consensus. Not counted in ClinVar's aggregate classification.

NM_002578.5(PAK3):c.277-1193G>A

Gene: PAK3 (p21 (RAC1) activated kinase 3; plus strand). Cytogenetic location: Xq23.
Variant type: single nucleotide variant.
Coding change: c.277-1193G>A on transcript NM_002578.5 (MANE Select); 1193 bases into the intron before coding-DNA position 277, G replaced by A.
Molecular consequence: intron variant. On other transcripts: missense variant (6).
Genome position (GRCh38, 1-based): chrX:111,146,544, G>A. VCF-style: chrX-111146544-G-A. GRCh37 (hg19) VCF-style: chrX-110389772-G-A.
Other names: c.363G>A, p.Met121Ile (NM_001128168.3); c.300G>A, p.Met100Ile (NM_001128173.3, NM_001324327.2, NM_001324328.2 and 2 more transcripts); c.277-1193G>A (NM_001128166.3, NM_001324325.2, NM_001324330.2 and 5 more transcripts); c.340-1193G>A (NM_001128172.2); short protein forms M100I, M121I.
Identifiers: ClinVar variation 1205858 (VCV001205858.30), dbSNP rs200670003, ClinGen allele CA10492619.